The following is an entry in ClinVar:

ClinVar aggregate classification (germline): Uncertain significance (1 of 4 stars; one submission).

Allele frequency attached by ClinVar (database versions not stated): TOPMed below 0.00001; ExAC 0.00001; gnomAD 0.00001.
gnomAD v4.1: 12 of 1,613,976 alleles (0.00074%); highest among the groups gnomAD compares: African/African-American, 0.0013%; no homozygotes.

Submission:

Labcorp Genetics (formerly Invitae), Labcorp
Classification: Uncertain significance. Last evaluated: 2023-01-08. Review status: criteria provided, single submitter. Criteria: Invitae Variant Classification Sherloc (09022015). Collection method: clinical testing. Allele origin: germline.
Comment: In summary, the available evidence is currently insufficient to determine the role of this variant in disease. Therefore, it has been classified as a Variant of Uncertain Significance. This variant has not been reported in the literature in individuals affected with UMOD-related conditions. This variant is present in population databases (rs751156376, gnomAD 0.004%). This sequence change creates a premature translational stop signal (p.Gln319*) in the UMOD gene. It is expected to result in an absent or disrupted protein product. However, the current clinical and genetic evidence is not sufficient to establish whether loss-of-function variants in UMOD cause disease.

NM_003361.4(UMOD):c.955C>T (p.Gln319Ter)

Gene: UMOD (uromodulin; minus strand). Cytogenetic location: 16p12.3.
Variant type: single nucleotide variant.
Coding change: c.955C>T on transcript NM_003361.4 (MANE Select); coding-DNA position 955, C replaced by T.
Protein change: p.Gln319Ter; replaces glutamine 319 with a stop codon.
Molecular consequence: nonsense. On other transcripts: non-coding transcript variant (1).
Genome position (GRCh38, 1-based): chr16:20,348,241, G>A on the plus strand (C>T on the coding strand, the complement: UMOD is on the minus strand). VCF-style: chr16-20348241-G-A. GRCh37 (hg19) VCF-style: chr16-20359563-G-A.
Other names: c.955C>T, p.Gln319Ter (NM_001008389.3, NM_001378232.1, NM_001378233.1 and 3 more transcripts); c.1054C>T, p.Gln352Ter (NM_001278614.2); short protein forms Q352*, Q319*.
Identifiers: ClinVar variation 1930643 (VCV001930643.5), dbSNP rs751156376, ClinGen allele CA7939353.